The following is an entry in ClinVar:

ClinVar aggregate classification (germline): Uncertain significance (1 of 4 stars; one submission).

Conditions:
Landau-Kleffner syndrome (FESD). Also called: EPILEPSY, FOCAL, WITH SPEECH DISORDER AND WITH OR WITHOUT MENTAL RETARDATION; APHASIA, ACQUIRED, WITH EPILEPSY. Identifiers: Orphanet 1945, Orphanet 725, Orphanet 98818, MedGen C0282512, MONDO:0009509, OMIM 245570.

Submission:

Dasa
Classification: Uncertain significance for Landau-Kleffner syndrome. Last evaluated: 2025-07-24. Review status: criteria provided, single submitter. Criteria: DASA Assertion Criteria. Collection method: clinical testing. Allele origin: germline.
Comment: NM_001134407.3(GRIN2A):c.3946A>G (p.Arg1316Gly) is a missense variant that results in the substitution of arginine with glycine. This variant is absent from population databases. Computational prediction algorithms are consistent with a benign effect. The currently available literature and clinical evidence are not sufficient to establish a definitive association between this variant and the reported condition. Therefore, this variant is classified as a variant of uncertain significance.

NM_001134407.3(GRIN2A):c.3946A>G (p.Arg1316Gly)

Gene: GRIN2A (glutamate ionotropic receptor NMDA type subunit 2A; minus strand). Cytogenetic location: 16p13.2.
Variant type: single nucleotide variant.
Coding change: c.3946A>G on transcript NM_001134407.3 (MANE Select); coding-DNA position 3946, A replaced by G.
Protein change: p.Arg1316Gly; replaces arginine 1316 with glycine.
Molecular consequence: missense variant. On other transcripts: intron variant (1).
Genome position (GRCh38, 1-based): chr16:9,763,598, T>C on the plus strand (A>G on the coding strand, the complement: GRIN2A is on the minus strand). VCF-style: chr16-9763598-T-C. GRCh37 (hg19) VCF-style: chr16-9857455-T-C.
Other names: c.3946A>G, p.Arg1316Gly (NM_000833.5); c.3773-170A>G (NM_001134408.2); short protein forms R1316G.
Identifiers: ClinVar variation 4883184 (VCV004883184.2).